The following is an entry in ClinVar:

NM_001024845.3(SLC6A9):c.1641C>T (p.Ser547=)

Gene: SLC6A9 (solute carrier family 6 member 9; minus strand). Cytogenetic location: 1p34.1.
Variant type: single nucleotide variant.
Coding change: c.1641C>T on transcript NM_001024845.3 (MANE Select); coding-DNA position 1641, C replaced by T.
Protein change: p.Ser547=; no amino-acid change (serine 547 retained).
Molecular consequence: synonymous variant. On other transcripts: non-coding transcript variant (1), intron variant (1).
Genome position (GRCh38, 1-based): chr1:43,997,921, G>A on the plus strand (C>T on the coding strand, the complement: SLC6A9 is on the minus strand). VCF-style: chr1-43997921-G-A. GRCh37 (hg19) VCF-style: chr1-44463593-G-A.
Other names: c.1653C>T, p.Ser551= (NM_001261380.2); c.1308C>T, p.Ser436= (NM_001328626.2); c.1578C>T, p.Ser526= (NM_001328627.1); c.1446C>T, p.Ser482= (NM_001328628.1); c.1641C>T, p.Ser547= (NM_001328629.1); c.1698C>T, p.Ser566= (NM_006934.4); c.1860C>T, p.Ser620= (NM_201649.4); c.1204-182C>T (NM_001328630.2).
Identifiers: ClinVar variation 788305 (VCV000788305.15), dbSNP rs144741950, ClinGen allele CA817401.

ClinVar aggregate classification (germline): Benign/Likely benign. Review status: criteria provided, multiple submitters, no conflicts (2 of 4 stars). 2 submissions from 2 submitters: Benign (1); Likely benign (1). Last evaluated 2025-11-02.

Conditions:
Atypical glycine encephalopathy. Also called: Glycine encephalopathy with normal serum glycine. Identifiers: Orphanet 289863, MedGen C4310943, MONDO:0015010, OMIM 617301.

Allele frequency attached by ClinVar (database versions not stated): gnomAD 0.00070 and 0.00038; gnomAD exomes 0.00100 and 0.00144; ExAC 0.00143; 1000 Genomes Project 30x 0.00187; 1000 Genomes Project 0.00200; ESP Exome Variant Server 0.00008; TOPMed 0.00053.
gnomAD v4.1: 1,559 of 1,614,170 alleles (0.097%); highest among the groups gnomAD compares: South Asian, 0.95%; 13 homozygotes.

Submissions (2):

Labcorp Genetics (formerly Invitae), Labcorp
Classification: Benign for Atypical glycine encephalopathy. Last evaluated: 2025-11-02. Review status: criteria provided, single submitter. Criteria: Invitae Variant Classification Sherloc (09022015). Collection method: clinical testing. Allele origin: germline.

CeGaT Center for Human Genetics Tuebingen
Classification: Likely benign. Last evaluated: 2025-10-01. Review status: criteria provided, single submitter. Criteria: CeGaT Center For Human Genetics Tuebingen Variant Classification Criteria Version 2. Collection method: clinical testing. Allele origin: germline. Affected: yes. Observed: 1 variant allele.
Comment: SLC6A9: BP4, BP7, BS2